The following is an entry in ClinVar:

ClinVar aggregate classification (germline): Likely pathogenic (1 of 4 stars; one submission).

Conditions:
Cyclical neutropenia. Also called: Cyclic hematopoiesis; Cyclic Neutropenia. Identifiers: Orphanet 2686, MedGen C0221023, MONDO:0008090, OMIM 162800, HP:0040289. Disease mechanism: loss of function.
Neutropenia, severe congenital, 1, autosomal dominant. Identifiers: MedGen C1859966, MONDO:0042490, OMIM 202700.

Allele frequency attached by ClinVar (database versions not stated): gnomAD exomes below 0.00001; TOPMed below 0.00001; ExAC 0.00001; gnomAD 0.00004 and 0.00005.
gnomAD v4.1: 21 of 1,613,194 alleles (0.0013%); highest among the groups gnomAD compares: African/African-American, 0.008%; no homozygotes.

Submission:

Labcorp Genetics (formerly Invitae), Labcorp
Classification: Likely pathogenic for Neutropenia, severe congenital, 1, autosomal dominant; Cyclical neutropenia. Last evaluated: 2025-12-08. Review status: criteria provided, single submitter. Criteria: Invitae Variant Classification Sherloc (09022015). Collection method: clinical testing. Allele origin: germline.
Comment: This sequence change replaces arginine, which is basic and polar, with tryptophan, which is neutral and slightly polar, at codon 220 of the ELANE protein (p.Arg220Trp). This variant is present in population databases (rs538571617, gnomAD 0.004%). This variant has not been reported in the literature in individuals affected with ELANE-related conditions. ClinVar contains an entry for this variant (Variation ID: 961407). Invitae Evidence Modeling of protein sequence and biophysical properties (such as structural, functional, and spatial information, amino acid conservation, physicochemical variation, residue mobility, and thermodynamic stability) indicates that this missense variant is expected to disrupt ELANE protein function with a positive predictive value of 95%. This variant disrupts the p.Arg220 amino acid residue in ELANE. Other variant(s) that disrupt this residue have been determined to be pathogenic (PMID: 10581030, 16079102, 25703294). This suggests that this residue is clinically significant, and that variants that disrupt this residue are likely to be disease-causing. In summary, the currently available evidence indicates that the variant is pathogenic, but additional data are needed to prove that conclusively. Therefore, this variant has been classified as Likely Pathogenic.

Literature cited by the submitters: PubMed 10581030; PubMed 16079102; PubMed 25703294.

NM_001972.4(ELANE):c.658C>T (p.Arg220Trp)

Gene: ELANE (elastase, neutrophil expressed; plus strand). Cytogenetic location: 19p13.3.
Variant type: single nucleotide variant.
Coding change: c.658C>T on transcript NM_001972.4 (MANE Select); coding-DNA position 658, C replaced by T.
Protein change: p.Arg220Trp; replaces arginine 220 with tryptophan.
Molecular consequence: missense variant.
Genome position (GRCh38, 1-based): chr19:856,018, C>T. VCF-style: chr19-856018-C-T. GRCh37 (hg19) VCF-style: chr19-856018-C-T.
Other names: short protein forms R220W.
Identifiers: ClinVar variation 961407 (VCV000961407.12), dbSNP rs538571617, ClinGen allele CA9026135.
Genomic context (GRCh38, chr19:856,018, plus strand): 5'-GGGGACTCCGGCAGCCCCTTGGTCTGCAACGGGCTAATCCACGGAATTGCCTCCTTCGTC[C>T]GGGGAGGCTGCGCCTCAGGGCTCTACCCCGATGCCTTTGCCCCGGTGGCACAGTTTGTAA-3'
Protein context (NP_001963.1, residues 210-230): GLIHGIASFV[Arg220Trp]GGCASGLYPD